The following is an entry in ClinVar:

ClinVar aggregate classification (germline): Uncertain significance (1 of 4 stars; one submission).

Conditions:
Familial intrahepatic cholestasis. Identifiers: Orphanet 284385, MedGen CN296401, MONDO:0017290.
Low phospholipid associated cholelithiasis (GBD1). Also called: Gallbladder disease 1; Gallstone cholecystitis. Identifiers: Orphanet 69663, MedGen C2609268, MONDO:0010939, OMIM 600803.

Submission:

Genomenon, Inc
Classification: Uncertain significance for Familial intrahepatic cholestasis; Low phospholipid associated cholelithiasis. Last evaluated: 2026-04-14. Review status: criteria provided, single submitter. Criteria: Genomenon Sequence Variant Interpretation Standards - Updated. Collection method: curation. Allele origin: germline. Affected: no.
Comment: ABCB4 p.Gly392Glu (c.1175G>A) is a missense variant that changes the amino acid at residue 392 from Glycine to Glutamic acid. This variant has been reported in the published literature (PMID:33763395). It is absent or not present at a significant frequency in gnomAD. In silico models predict that this variant is possibly or probably damaging. In conclusion, we classify ABCB4 p.Gly392Glu (c.1175G>A) as a variant of uncertain significance.

Literature cited by the submitters: PubMed 33763395.

NM_000443.4(ABCB4):c.1175G>A (p.Gly392Glu)

Gene: ABCB4 (ATP binding cassette subfamily B member 4; minus strand). Cytogenetic location: 7q21.12.
Variant type: single nucleotide variant.
Coding change: c.1175G>A on transcript NM_000443.4 (MANE Select); coding-DNA position 1175, G replaced by A.
Protein change: p.Gly392Glu; replaces glycine 392 with glutamic acid.
Molecular consequence: missense variant.
Genome position (GRCh38, 1-based): chr7:87,443,718, C>T on the plus strand (G>A on the coding strand, the complement: ABCB4 is on the minus strand). VCF-style: chr7-87443718-C-T. GRCh37 (hg19) VCF-style: chr7-87073034-C-T.
Other names: c.1175G>A, p.Gly392Glu (NM_018849.3, NM_018850.3); short protein forms G392E.
Identifiers: ClinVar variation 4846469 (VCV004846469.1).
Genomic context (GRCh38, chr7:87,443,718, plus strand): 5'-AGTACCTTGACGTTAGCTCGAGAAGGGTAAGAAAAGTGAACATCATTGAACTCCAAATTC[C>T]CTTTGATGCTGTCTGGTTTGTGTCCTCTCTCTGAAAAACTGTCAATTTTAGGATTCTAAA-3'
Protein context (NP_000434.1, residues 382-402): ERGHKPDSIK[Gly392Glu]NLEFNDVHFS